The following is an entry in ClinVar:

ClinVar aggregate classification (germline): Conflicting classifications of pathogenicity. Review status: criteria provided, conflicting classifications (1 of 4 stars). 4 submissions from 4 submitters: Uncertain significance (2); Likely benign (1). 1 of the submissions does not count toward it. Last evaluated 2026-03-01.

Conditions:
ALKBH8-related disorder. Also called: ALKBH8-related condition.

Allele frequency attached by ClinVar (database versions not stated): gnomAD exomes 0.00004; ExAC 0.00027; 1000 Genomes Project 30x 0.00047; TOPMed 0.00053; 1000 Genomes Project 0.00060; gnomAD 0.00062; ESP Exome Variant Server 0.00077.

Submissions (4):

CeGaT Center for Human Genetics Tuebingen
Classification: Likely benign. Last evaluated: 2026-03-01. Review status: criteria provided, single submitter. Criteria: CeGaT Center For Human Genetics Tuebingen Variant Classification Criteria Version 2. Collection method: clinical testing. Allele origin: germline. Affected: yes. Observed: 1 variant allele.
Comment: ALKBH8: BP4

Ambry Genetics
Classification: Uncertain significance. Last evaluated: 2025-08-20. Review status: criteria provided, single submitter. Criteria: Ambry Variant Classification Scheme 2023. Collection method: clinical testing. Allele origin: germline.

GeneDx
Classification: Uncertain significance. Last evaluated: 2022-11-18. Review status: criteria provided, single submitter. Criteria: GeneDx Variant Classification Process June 2021. Collection method: clinical testing. Allele origin: germline. Affected: yes.
Comment: In silico analysis supports that this missense variant does not alter protein structure/function; Has not been previously published as pathogenic or benign to our knowledge

PreventionGenetics, part of Exact Sciences
Classification: Likely benign for ALKBH8-related condition. Last evaluated: 2023-01-27. Review status: no assertion criteria provided. Collection method: clinical testing. Allele origin: germline. Not counted in ClinVar's aggregate classification.
Comment: This variant is classified as likely benign based on ACMG/AMP sequence variant interpretation guidelines (Richards et al. 2015 PMID: 25741868, with internal and published modifications).

NM_138775.3(ALKBH8):c.604G>A (p.Asp202Asn)

Gene: ALKBH8 (alkB homolog 8, tRNA methyltransferase; minus strand). Cytogenetic location: 11q22.3.
Variant type: single nucleotide variant.
Coding change: c.604G>A on transcript NM_138775.3 (MANE Select); coding-DNA position 604, G replaced by A.
Protein change: p.Asp202Asn; replaces aspartic acid 202 with asparagine.
Molecular consequence: missense variant. On other transcripts: non-coding transcript variant (6).
Genome position (GRCh38, 1-based): chr11:107,551,904, C>T on the plus strand (G>A on the coding strand, the complement: ALKBH8 is on the minus strand). VCF-style: chr11-107551904-C-T. GRCh37 (hg19) VCF-style: chr11-107422630-C-T.
Other names: c.604G>A, p.Asp202Asn (NM_001301010.3, NM_001378133.1); c.613G>A (NM_001301010.1); short protein forms D202N.
Identifiers: ClinVar variation 2502787 (VCV002502787.8), dbSNP rs141992032, ClinGen allele CA6261171.